The following is an entry in ClinVar:

ClinVar aggregate classification (germline): Uncertain significance (1 of 4 stars; one submission).

Conditions:
Cornelia de Lange syndrome 1 (CDLS1). Also called: Brachmann de Lange syndrome; NIPBL-Related Cornelia de Lange Syndrome; TYPUS DEGENERATIVUS AMSTELODAMENSIS. Identifiers: Orphanet 199, MedGen C4551851, MONDO:0007387, OMIM 122470.

Allele frequency attached by ClinVar (database versions not stated): gnomAD exomes below 0.00001.
gnomAD v4.1: 1 of 1,609,782 alleles (0.000062%); highest among the groups gnomAD compares: Non-Finnish European, 0.000085%; no homozygotes.

Submission:

Labcorp Genetics (formerly Invitae), Labcorp
Classification: Uncertain significance for Cornelia de Lange syndrome 1. Last evaluated: 2023-08-21. Review status: criteria provided, single submitter. Criteria: Invitae Variant Classification Sherloc (09022015). Collection method: clinical testing. Allele origin: germline.
Comment: In summary, the available evidence is currently insufficient to determine the role of this variant in disease. Therefore, it has been classified as a Variant of Uncertain Significance. Advanced modeling of protein sequence and biophysical properties (such as structural, functional, and spatial information, amino acid conservation, physicochemical variation, residue mobility, and thermodynamic stability) has been performed at Invitae for this missense variant, however the output from this modeling did not meet the statistical confidence thresholds required to predict the impact of this variant on NIPBL protein function. This variant has not been reported in the literature in individuals affected with NIPBL-related conditions. This variant is not present in population databases (gnomAD no frequency). This sequence change replaces cysteine, which is neutral and slightly polar, with serine, which is neutral and polar, at codon 1391 of the NIPBL protein (p.Cys1391Ser).

NM_133433.4(NIPBL):c.4172G>C (p.Cys1391Ser)

Gene: NIPBL (NIPBL cohesin loading factor; plus strand). Cytogenetic location: 5p13.2.
Variant type: single nucleotide variant.
Coding change: c.4172G>C on transcript NM_133433.4 (MANE Select); coding-DNA position 4172, G replaced by C.
Protein change: p.Cys1391Ser; replaces cysteine 1391 with serine.
Molecular consequence: missense variant.
Genome position (GRCh38, 1-based): chr5:37,007,407, G>C. VCF-style: chr5-37007407-G-C. GRCh37 (hg19) VCF-style: chr5-37007509-G-C.
Other names: c.4172G>C, p.Cys1391Ser (NM_015384.5); short protein forms C1391S.
Identifiers: ClinVar variation 2999100 (VCV002999100.3), dbSNP rs2478157946, ClinGen allele CA359525856.
Genomic context (GRCh38, chr5:37,007,407, plus strand): 5'-AACGGGCTAAATGTTCTACCCATAAGCAGAGAGTAATAGTAATGCTTTATAACAAAGTTT[G>C]TGACATTGTTAGCAGCTTATCAGAATTGCTAGAGATACAACTTCTTACAGACACAACAAT-3'
Protein context (NP_597677.2, residues 1381-1401): RVIVMLYNKV[Cys1391Ser]DIVSSLSELL